The following is an entry in ClinVar:

NM_017696.3(MCM9):c.216A>C (p.Ala72=)

Gene: MCM9 (minichromosome maintenance 9 homologous recombination repair factor; minus strand). Cytogenetic location: 6q22.31.
Variant type: single nucleotide variant.
Coding change: c.216A>C on transcript NM_017696.3 (MANE Select); coding-DNA position 216, A replaced by C.
Protein change: p.Ala72=; no amino-acid change (alanine 72 retained).
Molecular consequence: synonymous variant. On other transcripts: 5 prime UTR variant (6), non-coding transcript variant (2).
Genome position (GRCh38, 1-based): chr6:118,931,508, T>G on the plus strand (A>C on the coding strand, the complement: MCM9 is on the minus strand). VCF-style: chr6-118931508-T-G. GRCh37 (hg19) VCF-style: chr6-119252673-T-G.
Other names: c.216A>C, p.Ala72= (NM_001378356.1, NM_001378357.1, NM_001378358.1 and 9 more transcripts); c.-74A>C (NM_001378361.1, NM_001378362.1, NM_001378363.1 and 3 more transcripts).
Identifiers: ClinVar variation 3035432 (VCV003035432.2), dbSNP rs768666305, ClinGen allele CA3978765.

ClinVar aggregate classification (germline): Likely benign (0 of 4 stars; one submission).

Conditions:
MCM9-related disorder. Also called: MCM9-related condition.

Allele frequency attached by ClinVar (database versions not stated): gnomAD 0.00001; TOPMed 0.00001; ExAC 0.00003.
gnomAD v4.1: 12 of 1,614,064 alleles (0.00074%); highest among the groups gnomAD compares: East Asian, 0.027%; no homozygotes.

Submission:

PreventionGenetics, part of Exact Sciences
Classification: Likely benign for MCM9-related condition. Last evaluated: 2019-08-01. Review status: no assertion criteria provided. Collection method: clinical testing. Allele origin: germline.
Comment: This variant is classified as likely benign based on ACMG/AMP sequence variant interpretation guidelines (Richards et al. 2015 PMID: 25741868, with internal and published modifications).